The following is an entry in ClinVar:

NM_002769.5(PRSS1):c.694G>A (p.Val232Ile)

Genes: TRB (T cell receptor beta locus; plus strand), PRSS1 (serine protease 1; plus strand). Cytogenetic location: 7q34.
Variant type: single nucleotide variant.
Coding change: c.694G>A on transcript NM_002769.5 (MANE Select); coding-DNA position 694, G replaced by A.
Protein change: p.Val232Ile; replaces valine 232 with isoleucine.
Molecular consequence: missense variant. On other transcripts: non-coding transcript variant (5).
Genome position (GRCh38, 1-based): chr7:142,752,970, G>A. VCF-style: chr7-142752970-G-A. GRCh37 (hg19) VCF-style: chr7-142460821-G-A.
Other names: short protein forms V232I.
Identifiers: ClinVar variation 3783984 (VCV003783984.1).

ClinVar aggregate classification (germline): Uncertain significance (1 of 4 stars; one submission).

Conditions:
Hereditary pancreatitis (PCTT). Also called: PRSS1-Related Hereditary Pancreatitis; Hereditary chronic pancreatitis. Identifiers: Orphanet 676, MedGen C0238339, MONDO:0008185, OMIM 167800.

Submission:

Ambry Genetics
Classification: Uncertain significance for Hereditary pancreatitis. Last evaluated: 2025-02-02. Review status: criteria provided, single submitter. Criteria: Ambry Variant Classification Scheme 2023. Collection method: clinical testing. Allele origin: germline.
Comment: The p.V232I variant (also known as c.694G>A), located in coding exon 5 of the PRSS1 gene, results from a G to A substitution at nucleotide position 694. The valine at codon 232 is replaced by isoleucine, an amino acid with highly similar properties. This amino acid position is conserved. In addition, the in silico prediction for this alteration is inconclusive. Based on the available evidence, the clinical significance of this variant remains unclear.